The following is an entry in ClinVar:

NM_004655.4(AXIN2):c.1404C>G (p.Asp468Glu)

Gene: AXIN2 (axin 2; minus strand). Cytogenetic location: 17q24.1.
Variant type: single nucleotide variant.
Coding change: c.1404C>G on transcript NM_004655.4 (MANE Select); coding-DNA position 1404, C replaced by G.
Protein change: p.Asp468Glu; replaces aspartic acid 468 with glutamic acid.
Molecular consequence: missense variant.
Genome position (GRCh38, 1-based): chr17:65,537,632, G>C on the plus strand (C>G on the coding strand, the complement: AXIN2 is on the minus strand). VCF-style: chr17-65537632-G-C. GRCh37 (hg19) VCF-style: chr17-63533750-G-C.
Other names: c.1404C>G, p.Asp468Glu (NM_001363813.1); c.1404C>G (NM_004655.3); short protein forms D468E.
Identifiers: ClinVar variation 1351180 (VCV001351180.9), dbSNP rs2144463784, ClinGen allele CA400677574.
Genomic context (GRCh38, chr17:65,537,632, plus strand): 5'-AGGCAGCTTGCCACCGGGCGGGAGCAGGGAGTGGTACTGCGAATGGTGGTGGTGGTGGTG[G>C]TCCGGGGAGCGGGAGCGGGGGCTATAGCGGCCTACGCCTGGAGACTGGCAGCCAGGGGTC-3'
Protein context (NP_004646.3, residues 458-478): GRYSPRSRSP[Asp468Glu]HHHHHHSQYH

ClinVar aggregate classification (germline): Uncertain significance. Review status: criteria provided, multiple submitters, no conflicts (2 of 4 stars). 2 submissions from 2 submitters: Uncertain significance (2). Last evaluated 2024-12-15.

Conditions:
Hereditary cancer-predisposing syndrome. Also called: Neoplastic Syndromes, Hereditary; Tumor predisposition; Hereditary neoplastic syndrome; Hereditary Cancer Syndrome. Identifiers: Orphanet 140162, MedGen C0027672, MeSH D009386, MONDO:0015356.
Oligodontia-cancer predisposition syndrome. Also called: TOOTH AGENESIS-COLORECTAL CANCER SYNDROME. Identifiers: Orphanet 300576, MedGen C1837750, MONDO:0012075, OMIM 608615. Disease mechanism: loss of function.

Allele frequency attached by ClinVar (database versions not stated): gnomAD exomes 0.00001.
gnomAD v4.1: 11 of 1,589,066 alleles (0.00069%); highest among the groups gnomAD compares: Non-Finnish European, 0.00094%; no homozygotes.

Submissions (2):

Ambry Genetics
Classification: Uncertain significance for Hereditary cancer-predisposing syndrome. Last evaluated: 2024-12-15. Review status: criteria provided, single submitter. Criteria: Ambry Variant Classification Scheme 2023. Collection method: clinical testing. Allele origin: germline.
Comment: The p.D468E variant (also known as c.1404C>G), located in coding exon 5 of the AXIN2 gene, results from a C to G substitution at nucleotide position 1404. The aspartic acid at codon 468 is replaced by glutamic acid, an amino acid with highly similar properties. This amino acid position is conserved. In addition, this alteration is predicted to be tolerated by in silico analysis. Based on the available evidence, the clinical significance of this variant remains unclear.

Labcorp Genetics (formerly Invitae), Labcorp
Classification: Uncertain significance for Oligodontia-cancer predisposition syndrome. Last evaluated: 2022-05-25. Review status: criteria provided, single submitter. Criteria: Invitae Variant Classification Sherloc (09022015). Collection method: clinical testing. Allele origin: germline.
Comment: In summary, the available evidence is currently insufficient to determine the role of this variant in disease. Therefore, it has been classified as a Variant of Uncertain Significance. Algorithms developed to predict the effect of missense changes on protein structure and function (SIFT, PolyPhen-2, Align-GVGD) all suggest that this variant is likely to be tolerated. This variant has not been reported in the literature in individuals affected with AXIN2-related conditions. This variant is not present in population databases (gnomAD no frequency). This sequence change replaces aspartic acid, which is acidic and polar, with glutamic acid, which is acidic and polar, at codon 468 of the AXIN2 protein (p.Asp468Glu).